The following is an entry in ClinVar:

ClinVar aggregate classification (germline): Pathogenic (1 of 4 stars; one submission).

Submission:

Labcorp Genetics (formerly Invitae), Labcorp
Classification: Pathogenic. Last evaluated: 2019-03-22. Review status: criteria provided, single submitter. Criteria: Invitae Variant Classification Sherloc (09022015). Collection method: clinical testing. Allele origin: germline.
Comment: This variant is not present in population databases (ExAC no frequency). This sequence change creates a premature translational stop signal (p.Pro136Leufs*11) in the MED17 gene. It is expected to result in an absent or disrupted protein product. Loss-of-function variants in MED17 are known to be pathogenic (PMID: 20950787, 26004231). For these reasons, this variant has been classified as Pathogenic. This variant has not been reported in the literature in individuals with MED17-related conditions.

Literature cited by the submitters: PubMed 20950787; PubMed 26004231.

NM_004268.5(MED17):c.407del (p.Pro136fs)

Gene: MED17 (mediator complex subunit 17; plus strand). Cytogenetic location: 11q21.
Variant type: Deletion.
Coding change: c.407del on transcript NM_004268.5 (MANE Select); coding-DNA position 407, one base deleted (C; older notation c.407delC).
Protein change: p.Pro136fs; shifts the reading frame from proline 136.
Molecular consequence: frameshift variant.
Genome position (GRCh38, 1-based): chr11:93,788,157, C deleted; the last of 2 consecutive C bases (chr11:93,788,156-93,788,157); deleting either gives the same sequence. VCF-style (leftmost placement, unchanged base first): chr11-93788155-TC-T. GRCh37 (hg19) VCF-style: chr11-93521321-TC-T.
Other names: short protein forms P136fs.
Identifiers: ClinVar variation 844828 (VCV000844828.7), dbSNP rs1943789061, ClinGen allele CA916083272.
Genomic context (GRCh38, chr11:93,788,155, plus strand): 5'-TCTCAGTATTGTTAGGGATAAAAAATTTATGACTCTTGATCCTGTCTCTCAGGATGCACT[TC>T]CTCCAAAACAGGTATTTGTGGACTTTAATTGAATAATAAAATTTTATTTATTAAATCCCA-3'